The following is an entry in ClinVar:

NM_001200.4(BMP2):c.271G>T (p.Gly91Cys)

Gene: BMP2 (bone morphogenetic protein 2; plus strand). Cytogenetic location: 20p12.3.
Variant type: single nucleotide variant.
Coding change: c.271G>T on transcript NM_001200.4 (MANE Select); coding-DNA position 271, G replaced by T.
Protein change: p.Gly91Cys; replaces glycine 91 with cysteine.
Molecular consequence: missense variant.
Genome position (GRCh38, 1-based): chr20:6,770,397, G>T. VCF-style: chr20-6770397-G-T. GRCh37 (hg19) VCF-style: chr20-6751044-G-T.
Other names: short protein forms G91C.
Identifiers: ClinVar variation 1441788 (VCV001441788.8), dbSNP rs373345005, ClinGen allele CA9758634.
Genomic context (GRCh38, chr20:6,770,397, plus strand): 5'-AGGGACGCCGTGGTGCCCCCCTACATGCTAGACCTGTATCGCAGGCACTCAGGTCAGCCG[G>T]GCTCACCCGCCCCAGACCACCGGTTGGAGAGGGCAGCCAGCCGAGCCAACACTGTGCGCA-3'
Protein context (NP_001191.1, residues 81-101): DLYRRHSGQP[Gly91Cys]SPAPDHRLER

ClinVar aggregate classification (germline): Uncertain significance (1 of 4 stars; one submission).

Allele frequency attached by ClinVar (database versions not stated): ExAC 0.00001; gnomAD exomes 0.00001 and 0.00002; ESP Exome Variant Server 0.00008; gnomAD 0.00015 and 0.00016; TOPMed 0.00015; 1000 Genomes Project 30x 0.00062.
gnomAD v4.1: 34 of 1,612,404 alleles (0.0021%); highest among the groups gnomAD compares: African/African-American, 0.044%; no homozygotes.

Submission:

Labcorp Genetics (formerly Invitae), Labcorp
Classification: Uncertain significance. Last evaluated: 2026-01-27. Review status: criteria provided, single submitter. Criteria: Invitae Variant Classification Sherloc (09022015). Collection method: clinical testing. Allele origin: germline.
Comment: This sequence change replaces glycine, which is neutral and non-polar, with cysteine, which is neutral and slightly polar, at codon 91 of the BMP2 protein (p.Gly91Cys). This variant is present in population databases (rs373345005, gnomAD 0.03%). This variant has not been reported in the literature in individuals affected with BMP2-related conditions. ClinVar contains an entry for this variant (Variation ID: 1441788). An algorithm developed to predict the effect of missense changes on protein structure and function (PolyPhen-2) suggests that this variant is likely to be disruptive. In summary, the available evidence is currently insufficient to determine the role of this variant in disease. Therefore, it has been classified as a Variant of Uncertain Significance.